The following is an entry in ClinVar:

ClinVar aggregate classification (germline): Uncertain significance. Review status: criteria provided, multiple submitters, no conflicts (2 of 4 stars). 2 submissions from 2 submitters: Uncertain significance (2). Last evaluated 2025-10-11.

Conditions:
Inborn genetic diseases. Identifiers: MedGen C0950123, MeSH D030342.

Allele frequency attached by ClinVar (database versions not stated): ExAC 0.00003.
gnomAD v4.1: 13 of 1,592,158 alleles (0.00082%); highest among the groups gnomAD compares: Admixed American, 0.024%; no homozygotes.

Submissions (2):

Labcorp Genetics (formerly Invitae), Labcorp
Classification: Uncertain significance. Last evaluated: 2025-10-11. Review status: criteria provided, single submitter. Criteria: Invitae Variant Classification Sherloc (09022015). Collection method: clinical testing. Allele origin: germline.
Comment: This sequence change replaces threonine, which is neutral and polar, with isoleucine, which is neutral and non-polar, at codon 15 of the SAMD9 protein (p.Thr15Ile). This variant is present in population databases (rs757777689, gnomAD 0.04%). This variant has not been reported in the literature in individuals affected with SAMD9-related conditions. ClinVar contains an entry for this variant (Variation ID: 2381365). Invitae Evidence Modeling of protein sequence and biophysical properties (such as structural, functional, and spatial information, amino acid conservation, physicochemical variation, residue mobility, and thermodynamic stability) has been performed for this missense variant. However, the output from this modeling did not meet the statistical confidence thresholds required to predict the impact of this variant on SAMD9 protein function. In summary, the available evidence is currently insufficient to determine the role of this variant in disease. Therefore, it has been classified as a Variant of Uncertain Significance.

Ambry Genetics
Classification: Uncertain significance for Inborn genetic diseases. Last evaluated: 2024-10-05. Review status: criteria provided, single submitter. Criteria: Ambry Variant Classification Scheme 2023. Collection method: clinical testing. Allele origin: germline.
Comment: The p.T15I variant (also known as c.44C>T), located in coding exon 1 of the SAMD9 gene, results from a C to T substitution at nucleotide position 44. The threonine at codon 15 is replaced by isoleucine, an amino acid with similar properties. This amino acid position is conserved. In addition, this alteration is predicted to be tolerated by in silico analysis. Based on the available evidence, the clinical significance of this variant remains unclear.

NM_017654.4(SAMD9):c.44C>T (p.Thr15Ile)

Gene: SAMD9 (sterile alpha motif domain containing 9; minus strand). Cytogenetic location: 7q21.2.
Variant type: single nucleotide variant.
Coding change: c.44C>T on transcript NM_017654.4 (MANE Select); coding-DNA position 44, C replaced by T.
Protein change: p.Thr15Ile; replaces threonine 15 with isoleucine.
Molecular consequence: missense variant.
Genome position (GRCh38, 1-based): chr7:93,106,054, G>A on the plus strand (C>T on the coding strand, the complement: SAMD9 is on the minus strand). VCF-style: chr7-93106054-G-A. GRCh37 (hg19) VCF-style: chr7-92735367-G-A.
Other names: c.44C>T, p.Thr15Ile (NM_001193307.2); short protein forms T15I.
Identifiers: ClinVar variation 2381365 (VCV002381365.5), dbSNP rs757777689, ClinGen allele CA4343230.